The following is an entry in ClinVar:

NM_000218.3(KCNQ1):c.616G>C (p.Val206Leu)

Gene: KCNQ1 (potassium voltage-gated channel subfamily Q member 1; plus strand). Cytogenetic location: 11p15.5.
Variant type: single nucleotide variant.
Coding change: c.616G>C on transcript NM_000218.3 (MANE Select); coding-DNA position 616, G replaced by C.
Protein change: p.Val206Leu; replaces valine 206 with leucine.
Molecular consequence: missense variant. On other transcripts: intron variant (1).
Genome position (GRCh38, 1-based): chr11:2,571,336, G>C. VCF-style: chr11-2571336-G-C. GRCh37 (hg19) VCF-style: chr11-2592566-G-C.
Other names: c.616G>C, p.Val206Leu (NM_001406836.1); c.346G>C, p.Val116Leu (NM_001406837.1); c.235G>C, p.Val79Leu (NM_181798.2); c.478-12099G>C (NM_001406838.1); short protein forms V116L, V206L, V79L.
Identifiers: ClinVar variation 3903086 (VCV003903086.1).

ClinVar aggregate classification (germline): Uncertain significance (1 of 4 stars; one submission).

gnomAD v4.1: 1 of 1,613,300 alleles (0.000062%); highest among the groups gnomAD compares: Non-Finnish European, 0.000085%; no homozygotes.

Submission:

GeneDx
Classification: Uncertain significance. Last evaluated: 2024-12-12. Review status: criteria provided, single submitter. Criteria: GeneDx Variant Classification Process June 2021. Collection method: clinical testing. Allele origin: germline. Affected: yes.
Comment: Not observed at significant frequency in large population cohorts (gnomAD); In silico analysis supports that this missense variant has a deleterious effect on protein structure/function; Has not been previously published as pathogenic or benign to our knowledge